The following is an entry in ClinVar:

NM_006031.6(PCNT):c.7179+1G>T

Gene: PCNT (pericentrin; plus strand). Cytogenetic location: 21q22.3.
Variant type: single nucleotide variant.
Coding change: c.7179+1G>T on transcript NM_006031.6 (MANE Select); the canonical splice donor site of the intron after coding-DNA position 7179, G replaced by T.
Molecular consequence: splice donor variant.
Genome position (GRCh38, 1-based): chr21:46,422,125, G>T. VCF-style: chr21-46422125-G-T. GRCh37 (hg19) VCF-style: chr21-47842039-G-T.
Other names: c.6825+1G>T (NM_001315529.2).
Identifiers: ClinVar variation 3353638 (VCV003353638.1).

ClinVar aggregate classification (germline): Likely pathogenic (0 of 4 stars; one submission).

Conditions:
PCNT-related disorder. Also called: PCNT-related condition.

gnomAD v4.1: 10 of 1,613,500 alleles (0.00062%); highest among the groups gnomAD compares: Non-Finnish European, 0.00085%; no homozygotes.

Submission:

PreventionGenetics, part of Exact Sciences
Classification: Likely pathogenic for PCNT-related condition. Last evaluated: 2024-09-05. Review status: no assertion criteria provided. Collection method: clinical testing. Allele origin: germline.
Comment: The PCNT c.7179+1G>T variant is predicted to disrupt the GT donor site and interfere with normal splicing. To our knowledge, this variant has not been reported in the literature. This variant is reported in 0.00088% of alleles in individuals of European (non-Finnish) descent in gnomAD. Variants that disrupt the consensus splice donor site in PCNT are expected to be pathogenic. This variant is interpreted as likely pathogenic.